The following is an entry in ClinVar:

ClinVar aggregate classification (germline): Uncertain significance (1 of 4 stars; one submission).

Submission:

Ambry Genetics
Classification: Uncertain significance. Last evaluated: 2024-02-25. Review status: criteria provided, single submitter. Criteria: Ambry Variant Classification Scheme 2023. Collection method: clinical testing. Allele origin: germline.
Comment: The p.M53R variant (also known as c.158T>G), located in coding exon 3 of the BUB1 gene, results from a T to G substitution at nucleotide position 158. The methionine at codon 53 is replaced by arginine, an amino acid with similar properties. This amino acid position is conserved. In addition, the in silico prediction for this alteration is inconclusive. Based on the available evidence, the clinical significance of this alteration remains unclear.

NM_004336.5(BUB1):c.158T>G (p.Met53Arg)

Gene: BUB1 (BUB1 mitotic checkpoint serine/threonine kinase; minus strand). Cytogenetic location: 2q13.
Variant type: single nucleotide variant.
Coding change: c.158T>G on transcript NM_004336.5 (MANE Select); coding-DNA position 158, T replaced by G.
Protein change: p.Met53Arg; replaces methionine 53 with arginine.
Molecular consequence: missense variant.
Genome position (GRCh38, 1-based): chr2:110,674,153, A>C on the plus strand (T>G on the coding strand, the complement: BUB1 is on the minus strand). VCF-style: chr2-110674153-A-C. GRCh37 (hg19) VCF-style: chr2-111431730-A-C.
Other names: c.98T>G, p.Met33Arg (NM_001278616.2); c.158T>G, p.Met53Arg (NM_001278617.2); short protein forms M33R, M53R.
Identifiers: ClinVar variation 3224013 (VCV003224013.1), dbSNP rs1690507996, ClinGen allele CA348221314.